The following is an entry in ClinVar:

ClinVar aggregate classification (germline): Conflicting classifications of pathogenicity. Review status: criteria provided, conflicting classifications (1 of 4 stars). 2 submissions from 2 submitters: Uncertain significance (1); Likely benign (1). Last evaluated 2025-08-20.

Allele frequency attached by ClinVar (database versions not stated): ExAC 0.00008; ESP Exome Variant Server 0.00017; gnomAD 0.00017; TOPMed 0.00021; 1000 Genomes Project 30x 0.00062; 1000 Genomes Project 0.00080.
gnomAD v4.1: 62 of 1,588,750 alleles (0.0039%); highest among the groups gnomAD compares: African/African-American, 0.042%; 10 homozygotes.

Submissions (2):

Ambry Genetics
Classification: Uncertain significance. Last evaluated: 2025-08-20. Review status: criteria provided, single submitter. Criteria: Ambry Variant Classification Scheme 2023. Collection method: clinical testing. Allele origin: germline.

CeGaT Center for Human Genetics Tuebingen
Classification: Likely benign. Last evaluated: 2023-04-01. Review status: criteria provided, single submitter. Criteria: CeGaT Center For Human Genetics Tuebingen Variant Classification Criteria Version 2. Collection method: clinical testing. Allele origin: germline. Affected: yes. Observed: 1 variant allele.
Comment: AHNAK2: BP4, BS2

NM_138420.4(AHNAK2):c.5816A>G (p.Lys1939Arg)

Gene: AHNAK2 (AHNAK nucleoprotein 2; minus strand). Cytogenetic location: 14q32.33.
Variant type: single nucleotide variant.
Coding change: c.5816A>G on transcript NM_138420.4 (MANE Select); coding-DNA position 5816, A replaced by G.
Protein change: p.Lys1939Arg; replaces lysine 1939 with arginine.
Molecular consequence: missense variant.
Genome position (GRCh38, 1-based): chr14:104,949,635, T>C on the plus strand (A>G on the coding strand, the complement: AHNAK2 is on the minus strand). VCF-style: chr14-104949635-T-C. GRCh37 (hg19) VCF-style: chr14-105415972-T-C.
Other names: c.5816A>G (NM_138420.2); c.5516A>G, p.Lys1839Arg (NM_001350929.2); short protein forms K1839R, K1939R.
Identifiers: ClinVar variation 2644776 (VCV002644776.25), dbSNP rs376259620, ClinGen allele CA7381506.
Genomic context (GRCh38, chr14:104,949,635, plus strand): 5'-TGGACATCCACCTCCATGCTGGGCAGAGACACCTCGACATCGGGGGCTGTCACTTCCGCC[T>C]TGGGGCCTTTCAGGTCCAGCTTGGCGCCCTTAACATCTGTCTGGGGGCCCTTGAGGTCCA-3'
Protein context (NP_612429.2, residues 1929-1949): KGAKLDLKGP[Lys1939Arg]AEVTAPDVEV